The following is an entry in ClinVar:

ClinVar aggregate classification (germline): Uncertain significance. Review status: criteria provided, multiple submitters, no conflicts (2 of 4 stars). 4 submissions from 4 submitters: Uncertain significance (4). Last evaluated 2026-02-01.

Conditions:
Osteogenesis imperfecta type I (OI1). Also called: Lobstein disease; OI, TYPE I; OSTEOGENESIS IMPERFECTA TARDA; OSTEOGENESIS IMPERFECTA WITH BLUE SCLERAE; Classic Non-deforming Osteogenesis Imperfecta with Blue Sclerae; Osteogenesis imperfecta type 1. Identifiers: Orphanet 216796, Orphanet 666, MedGen C0023931, MONDO:0008146, OMIM 166200. Disease mechanism: loss of function.
Ehlers-Danlos syndrome, classic type, 1 (EDSCL1). Also called: EHLERS-DANLOS SYNDROME, GRAVIS TYPE; EHLERS-DANLOS SYNDROME, SEVERE CLASSIC TYPE; Ehlers-Danlos Syndrome, Classic Type, COL5A1-Related; EDS I; Ehlers-Danlos syndrome, type 1. Identifiers: MedGen C0268335, MONDO:0019567, OMIM 130000.
Combined osteogenesis imperfecta and Ehlers-Danlos syndrome 2. Also called: OIEDS SYNDROME 2. Identifiers: MedGen C5436847, MONDO:0030855, OMIM 619120.
Cardiovascular phenotype. Identifiers: MedGen CN230736.

Allele frequency attached by ClinVar (database versions not stated): gnomAD exomes 0.00009 and 0.00005; gnomAD 0.00005; ExAC 0.00004; TOPMed 0.00008.
gnomAD v4.1: 144 of 1,613,906 alleles (0.0089%); highest among the groups gnomAD compares: Non-Finnish European, 0.012%; no homozygotes.

Submissions (4):

Labcorp Genetics (formerly Invitae), Labcorp
Classification: Uncertain significance for Osteogenesis imperfecta type I; Ehlers-Danlos syndrome, classic type, 1. Last evaluated: 2026-02-01. Review status: criteria provided, single submitter. Criteria: Invitae Variant Classification Sherloc (09022015). Collection method: clinical testing. Allele origin: germline.
Comment: This sequence change replaces threonine, which is neutral and polar, with alanine, which is neutral and non-polar, at codon 1231 of the COL1A2 protein (p.Thr1231Ala). This variant is present in population databases (rs201560619, gnomAD 0.01%). This variant has not been reported in the literature in individuals affected with COL1A2-related conditions. ClinVar contains an entry for this variant (Variation ID: 393173). Invitae Evidence Modeling of protein sequence and biophysical properties (such as structural, functional, and spatial information, amino acid conservation, physicochemical variation, residue mobility, and thermodynamic stability) indicates that this missense variant is not expected to disrupt COL1A2 protein function with a negative predictive value of 95%. In summary, the available evidence is currently insufficient to determine the role of this variant in disease. Therefore, it has been classified as a Variant of Uncertain Significance.

Ambry Genetics
Classification: Uncertain significance for Cardiovascular phenotype. Last evaluated: 2024-02-24. Review status: criteria provided, single submitter. Criteria: Ambry Variant Classification Scheme 2023. Collection method: clinical testing. Allele origin: germline.
Comment: The p.T1231A variant (also known as c.3691A>G), located in coding exon 50 of the COL1A2 gene, results from an A to G substitution at nucleotide position 3691. The threonine at codon 1231 is replaced by alanine, an amino acid with similar properties. This amino acid position is well conserved in available vertebrate species. In addition, the in silico prediction for this alteration is inconclusive. Based on the available evidence, the clinical significance of this alteration remains unclear.

GeneDx
Classification: Uncertain significance. Last evaluated: 2023-04-11. Review status: criteria provided, single submitter. Criteria: GeneDx Variant Classification Process June 2021. Collection method: clinical testing. Allele origin: germline. Affected: yes.
Comment: Has not been previously published as pathogenic or benign to our knowledge; Not located in the triple helical region, where the majority of pathogenic missense variants occur (HGMD); In silico analysis supports that this missense variant does not alter protein structure/function

Department of Pathology and Laboratory Medicine, Sinai Health System
Classification: Uncertain significance for combined osteogenesis imperfecta and Ehlers-Danlos syndrome 2. Last evaluated: 2022-01-31. Review status: criteria provided, single submitter. Criteria: ACMG Guidelines, 2015. Collection method: research. Allele origin: germline.

NM_000089.4(COL1A2):c.3691A>G (p.Thr1231Ala)

Gene: COL1A2 (collagen type I alpha 2 chain; plus strand). Cytogenetic location: 7q21.3.
Variant type: single nucleotide variant.
Coding change: c.3691A>G on transcript NM_000089.4 (MANE Select); coding-DNA position 3691, A replaced by G.
Protein change: p.Thr1231Ala; replaces threonine 1231 with alanine.
Molecular consequence: missense variant.
Genome position (GRCh38, 1-based): chr7:94,428,457, A>G. VCF-style: chr7-94428457-A-G. GRCh37 (hg19) VCF-style: chr7-94057769-A-G.
Other names: short protein forms T1231A.
Identifiers: ClinVar variation 393173 (VCV000393173.11), dbSNP rs201560619, ClinGen allele CA4347816.